The following is an entry in ClinVar:

ClinVar aggregate classification (germline): Conflicting classifications of pathogenicity. Review status: criteria provided, conflicting classifications (1 of 4 stars). 4 submissions from 4 submitters: Pathogenic (1); Uncertain significance (2). 1 of the submissions does not count toward it. Last evaluated 2025-11-29.

Conditions:
Combined oxidative phosphorylation deficiency 52. Identifiers: MedGen C5543592, MONDO:0030311, OMIM 619386.

Allele frequency attached by ClinVar (database versions not stated): ExAC 0.00005; gnomAD 0.00005 and 0.00006; gnomAD exomes 0.00006 and 0.00007; ESP Exome Variant Server 0.00015; TOPMed 0.00005.

Submissions (4):

GeneDx
Classification: Pathogenic. Last evaluated: 2025-11-29. Review status: criteria provided, single submitter. Criteria: GeneDx Variant Classification Process June 2021. Collection method: clinical testing. Allele origin: germline.
Comment: Not observed at significant frequency in large population cohorts (gnomAD); In silico analysis supports that this missense variant has a deleterious effect on protein structure/function; This variant is associated with the following publications: (PMID: Perfitt2022[article], 37288145, 24498631, 33457206, 35026043)

Labcorp Genetics (formerly Invitae), Labcorp
Classification: Uncertain significance. Last evaluated: 2022-05-19. Review status: criteria provided, single submitter. Criteria: Invitae Variant Classification Sherloc (09022015). Collection method: clinical testing. Allele origin: germline.
Comment: This sequence change replaces arginine, which is basic and polar, with glutamine, which is neutral and polar, at codon 72 of the NFS1 protein (p.Arg72Gln). This variant is present in population databases (rs200592030, gnomAD 0.01%). This missense change has been observed in individual(s) with infantile mitochondrial complex II/III deficiency (PMID: 24498631, 33457206). ClinVar contains an entry for this variant (Variation ID: 1171019). Algorithms developed to predict the effect of missense changes on protein structure and function (SIFT, PolyPhen-2, Align-GVGD) all suggest that this variant is likely to be disruptive. In summary, the available evidence is currently insufficient to determine the role of this variant in disease. Therefore, it has been classified as a Variant of Uncertain Significance.

Revvity Omics, Revvity
Classification: Uncertain significance for Combined oxidative phosphorylation deficiency 52. Last evaluated: 2022-01-26. Review status: criteria provided, single submitter. Criteria: ACMG Guidelines, 2015. Collection method: clinical testing. Allele origin: germline.

OMIM
Classification: Pathogenic for COMBINED OXIDATIVE PHOSPHORYLATION DEFICIENCY 52. Last evaluated: 2021-06-16. Review status: no assertion criteria provided. Collection method: literature only. Allele origin: germline. Not counted in ClinVar's aggregate classification.

Literature cited by the submitters: PubMed 24498631 (cited by Labcorp Genetics (formerly Invitae), Labcorp and OMIM); PubMed 33457206 (cited by Labcorp Genetics (formerly Invitae), Labcorp and OMIM).

NM_021100.5(NFS1):c.215G>A (p.Arg72Gln)

Gene: NFS1 (NFS1 cysteine desulfurase; minus strand). Cytogenetic location: 20q11.22.
Variant type: single nucleotide variant.
Coding change: c.215G>A on transcript NM_021100.5 (MANE Select); coding-DNA position 215, G replaced by A.
Protein change: p.Arg72Gln; replaces arginine 72 with glutamine.
Molecular consequence: missense variant. On other transcripts: non-coding transcript variant (1).
Genome position (GRCh38, 1-based): chr20:35,697,793, C>T on the plus strand (G>A on the coding strand, the complement: NFS1 is on the minus strand). VCF-style: chr20-35697793-C-T. GRCh37 (hg19) VCF-style: chr20-34285715-C-T.
Other names: c.215G>A, p.Arg72Gln (NM_001198989.2); short protein forms R72Q.
Identifiers: ClinVar variation 1171019 (VCV001171019.9), dbSNP rs200592030, ClinGen allele CA9837328.
Genomic context (GRCh38, chr20:35,697,793, plus strand): 5'-GTCCGGGAGTGTGGGTTCCCATAGTAGTTGATTAGGTAAGGGAGCATGGCATCAAGCACC[C>T]GGGGGTCCTGAACACAACAGAACAGATCATTTTCCTTGAGCGCATCGTCAATTCAGGTCC-3'
Protein context (NP_066923.3, residues 62-82): DVQATTPLDP[Arg72Gln]VLDAMLPYLI